The following is an entry in ClinVar:

ClinVar aggregate classification (germline): Uncertain significance (1 of 4 stars; one submission).

Submission:

Ambry Genetics
Classification: Uncertain significance. Last evaluated: 2026-07-05. Review status: criteria provided, single submitter. Criteria: Ambry Variant Classification Scheme 2023. Collection method: clinical testing. Allele origin: germline.
Comment: The p.E416Q variant (also known as c.1246G>C), located in coding exon 6 of the GFI1 gene, results from a G to C substitution at nucleotide position 1246. The glutamic acid at codon 416 is replaced by glutamine, an amino acid with highly similar properties. This amino acid position is conserved. In addition, this alteration is predicted to be tolerated by in silico analysis. Based on the available evidence, the clinical significance of this variant remains unclear.

NM_005263.5(GFI1):c.1246G>C (p.Glu416Gln)

Gene: GFI1 (growth factor independent 1 transcriptional repressor; minus strand). Cytogenetic location: 1p22.1.
Variant type: single nucleotide variant.
Coding change: c.1246G>C on transcript NM_005263.5 (MANE Select); coding-DNA position 1246, G replaced by C.
Protein change: p.Glu416Gln; replaces glutamic acid 416 with glutamine.
Molecular consequence: missense variant.
Genome position (GRCh38, 1-based): chr1:92,476,052, C>G on the plus strand (G>C on the coding strand, the complement: GFI1 is on the minus strand). VCF-style: chr1-92476052-C-G. GRCh37 (hg19) VCF-style: chr1-92941609-C-G.
Other names: c.1246G>C, p.Glu416Gln (NM_001127215.3, NM_001127216.3); short protein forms E416Q.
Identifiers: ClinVar variation 5022372 (VCV005022372.1).
Genomic context (GRCh38, chr1:92,476,052, plus strand): 5'-GTGTTGTGTAGCTGCTGCTTGCAGCCAGCCAGGGTGCTCATTTGAGCCCATGCTGCGTCT[C>G]CCGGTGCCTTCGGAGGTCCACCTTCCTCTGGAAACCCTTCCCACAGAGGTCGCAGCCGAA-3'
Protein context (NP_005254.2, residues 406-422): QRKVDLRRHR[Glu416Gln]TQHGLK